The following is an entry in ClinVar:

ClinVar aggregate classification (germline): Uncertain significance (1 of 4 stars; one submission).

Allele frequency attached by ClinVar (database versions not stated): gnomAD exomes below 0.00001; gnomAD 0.00001; TOPMed 0.00001.
gnomAD v4.1: 4 of 1,566,554 alleles (0.00026%); highest among the groups gnomAD compares: Admixed American, 0.005%; no homozygotes.

Submission:

Labcorp Genetics (formerly Invitae), Labcorp
Classification: Uncertain significance. Last evaluated: 2024-12-02. Review status: criteria provided, single submitter. Criteria: Invitae Variant Classification Sherloc (09022015). Collection method: clinical testing. Allele origin: germline.
Comment: This sequence change falls in intron 6 of the PDSS2 gene. It does not directly change the encoded amino acid sequence of the PDSS2 protein. It affects a nucleotide within the consensus splice site. This variant is present in population databases (no rsID available, gnomAD 0.003%). This variant has not been reported in the literature in individuals affected with PDSS2-related conditions. ClinVar contains an entry for this variant (Variation ID: 2182215). Variants that disrupt the consensus splice site are a relatively common cause of aberrant splicing (PMID: 17576681, 9536098). Algorithms developed to predict the effect of sequence changes on RNA splicing suggest that this variant is not likely to affect RNA splicing. In summary, the available evidence is currently insufficient to determine the role of this variant in disease. Therefore, it has been classified as a Variant of Uncertain Significance.

Literature cited by the submitters: PubMed 17576681; PubMed 9536098.

NM_020381.4(PDSS2):c.1009-3T>C

Gene: PDSS2 (decaprenyl diphosphate synthase subunit 2; minus strand). Cytogenetic location: 6q21.
Variant type: single nucleotide variant.
Coding change: c.1009-3T>C on transcript NM_020381.4 (MANE Select); 3 bases into the intron before coding-DNA position 1009, T replaced by C.
Molecular consequence: intron variant.
Genome position (GRCh38, 1-based): chr6:107,193,857, A>G on the plus strand (T>C on the coding strand, the complement: PDSS2 is on the minus strand). VCF-style: chr6-107193857-A-G. GRCh37 (hg19) VCF-style: chr6-107515061-A-G.
Identifiers: ClinVar variation 2182215 (VCV002182215.3), dbSNP rs1012637116, ClinGen allele CA145596176.
Genomic context (GRCh38, chr6:107,193,857, plus strand): 5'-TACAGTATGTATAAAATCTGCCTACCTTAGCATAGTCCAATCTTCCTTTTTCTTGAGCCT[A>G]CAAAAGAAGAGGGGAAAATTAATTTGTTACTTCTCTAAAAGTTTAGTGCTTCTATAATTT-3'